The following is an entry in ClinVar:

NM_014491.4(FOXP2):c.*276A>G

Gene: FOXP2 (forkhead box P2; plus strand). Cytogenetic location: 7q31.1.
Variant type: single nucleotide variant.
Coding change: c.*276A>G on transcript NM_014491.4 (MANE Select); 276 bases downstream of the stop codon, A replaced by G.
Molecular consequence: 3 prime UTR variant. On other transcripts: non-coding transcript variant (2).
Genome position (GRCh38, 1-based): chr7:114,690,202, A>G. VCF-style: chr7-114690202-A-G. GRCh37 (hg19) VCF-style: chr7-114330257-A-G.
Other names: c.*276A>G (NM_001172766.3, NM_148898.4, NM_148900.4).
Identifiers: ClinVar variation 911851 (VCV000911851.4), dbSNP rs531205756, ClinGen allele CA4446374.

ClinVar aggregate classification (germline): Benign (1 of 4 stars; one submission).

Conditions:
Childhood apraxia of speech (SPCH1). Also called: FOXP2-Related Speech and Language Disorder; DEVELOPMENTAL VERBAL DYSPRAXIA; SPEECH AND LANGUAGE DISORDER WITH OROFACIAL DYSPRAXIA; Speech language disorder. Identifiers: Orphanet 209908, MedGen C0750927, MONDO:0011184, OMIM 602081.

Allele frequency attached by ClinVar (database versions not stated): gnomAD exomes 0.00010 and 0.00020; ExAC 0.00018; gnomAD 0.00088 and 0.00092; 1000 Genomes Project 30x 0.00094; TOPMed 0.00094; 1000 Genomes Project 0.00120.
gnomAD v4.1: 170 of 503,064 alleles (0.034%); highest among the groups gnomAD compares: African/African-American, 0.31%; no homozygotes.

Submission:

Illumina Laboratory Services, Illumina
Classification: Benign for Childhood apraxia of speech. Last evaluated: 2018-01-13. Review status: criteria provided, single submitter. Criteria: ICSL Variant Classification Criteria 13 December 2019. Collection method: clinical testing. Allele origin: germline.
Comment: This variant was observed in the ICSL laboratory as part of a predisposition screen in an ostensibly healthy population. It had not been previously curated by ICSL or reported in the Human Gene Mutation Database (HGMD: prior to June 1st, 2018), and was therefore a candidate for classification through an automated scoring system. Utilizing variant allele frequency, disease prevalence and penetrance estimates, and inheritance mode, an automated score was calculated to assess if this variant is too frequent to cause the disease. Based on the score and internal cut-off values, a variant classified as benign is not then subjected to further curation. The score for this variant resulted in a classification of benign for this disease.